The following is an entry in ClinVar:

ClinVar aggregate classification (germline): Conflicting classifications of pathogenicity. Review status: criteria provided, conflicting classifications (1 of 4 stars). 3 submissions from 3 submitters: Pathogenic (1); Uncertain significance (1). 1 of the submissions does not count toward it. Last evaluated 2023-08-03.

Conditions:
Hereditary nonpolyposis colorectal neoplasms. Identifiers: MedGen C0009405, MeSH D003123.
Hereditary cancer-predisposing syndrome. Also called: Neoplastic Syndromes, Hereditary; Hereditary Cancer Syndrome; Tumor predisposition; Hereditary neoplastic syndrome. Identifiers: Orphanet 140162, MedGen C0027672, MeSH D009386, MONDO:0015356.
Malignant tumor of breast. Also called: Malignant breast neoplasm; Cancer breast. Identifiers: MedGen C0006142, MONDO:0007254. Disease mechanism: loss of function.

Submissions (3):

Labcorp Genetics (formerly Invitae), Labcorp
Classification: Uncertain significance for Hereditary nonpolyposis colorectal neoplasms. Last evaluated: 2023-08-03. Review status: criteria provided, single submitter. Criteria: Invitae Variant Classification Sherloc (09022015). Collection method: clinical testing. Allele origin: germline.
Comment: The frequency data for this variant in the population databases (gnomAD) is considered unreliable due to the presence of homologous sequence, such as pseudogenes or paralogs, in the genome. This sequence change replaces glutamic acid, which is acidic and polar, with aspartic acid, which is acidic and polar, at codon 705 of the PMS2 protein (p.Glu705Asp). This missense change has been observed in individual(s) with constitutional mismatch repair deficiency syndrome (PMID: 32369273). ClinVar contains an entry for this variant (Variation ID: 573081). Advanced modeling of protein sequence and biophysical properties (such as structural, functional, and spatial information, amino acid conservation, physicochemical variation, residue mobility, and thermodynamic stability) performed at Invitae indicates that this missense variant is expected to disrupt PMS2 protein function. This variant disrupts the p.Glu705 amino acid residue in PMS2. Other variant(s) that disrupt this residue have been determined to be pathogenic (PMID: 16619239, 18602922, 23012243, 26110232, 26318770, 26845104, 27601186). This suggests that this residue is clinically significant, and that variants that disrupt this residue are likely to be disease-causing. In summary, the available evidence is currently insufficient to determine the role of this variant in disease. Therefore, it has been classified as a Variant of Uncertain Significance.

Ambry Genetics
Classification: Pathogenic for Hereditary cancer-predisposing syndrome. Last evaluated: 2022-01-19. Review status: criteria provided, single submitter. Criteria: Ambry Variant Classification Scheme 2023. Collection method: clinical testing. Allele origin: germline.
Comment: The p.E705D variant (also known as c.2115G>C), located in coding exon 12 of the PMS2 gene, results from a G to C substitution at nucleotide position 2115. The glutamic acid at codon 705 is replaced by aspartic acid, an amino acid with highly similar properties. This variant has been identified in a probands whose Lynch syndrome-associated tumors demonstrated loss of PMS2 expression by immunohistochemistry (Ambry internal data). This variant was also observed in 1/3251 individuals who met eligibility criteria for hereditary breast and ovarian cancer syndrome. This missense alteration is located in a region that has a low rate of benign missense variation (Lek M et al. Nature. 2016 Aug 18;536(7616):285-91; DECIPHER: Database of Chromosomal Imbalance and Phenotype in Humans using Ensembl Resources. Firth H.V. et al. 2009. Am.J.Hum.Genet. 84, 524-533 (DOI)). Structural analysis demonstrated that this variant is strongly destabilizing to the C-terminal domain of PMS2 and disrupts a highly conserved and functionally important zinc-binding motif (Ambry internal data). This variant is considered to be rare based on population cohorts in the Genome Aggregation Database (gnomAD). This amino acid position is highly conserved in available vertebrate species. In addition, this alteration is predicted to be deleterious by in silico analysis. Based on the supporting evidence, this alteration is interpreted as a disease-causing mutation.

Department of Pathology and Laboratory Medicine, Sinai Health System
Classification: Uncertain significance for Malignant tumor of breast. Review status: no assertion criteria provided. Collection method: clinical testing. Allele origin: unknown. Affected: yes. Study: The Canadian Open Genetics Repository (COGR). Not counted in ClinVar's aggregate classification.
Comment: The PMS2 p.Glu705Asp variant was not identified in the literature nor was it identified in dbSNP, ClinVar, Clinvitae, GeneInsight-COGR, Cosmic, MutDB, Zhejiang University Database, Mismatch Repair Genes Variant Database, and Insight Hereditary Tumors Database databases. The variant was also not identified in the following control databases: the 1000 Genomes Project, the NHLBI GO Exome Sequencing Project, the Exome Aggregation Consortium (August 8th 2016), or the Genome Aggregation Database (Feb 27, 2017). The p.Glu705 residue is conserved across mammals and other organisms, and four out of five computational analyses (PolyPhen-2, SIFT, AlignGVGD, BLOSUM, MutationTaster) suggest this variant may impact the protein; however, this information is not predictive enough to assume pathogenicity. In summary, based on the above information, the clinical significance of this variant cannot be determined with certainty at this time. This variant is classified as a variant of uncertain significance.

Literature cited by the submitters: PubMed 32369273 (cited by Labcorp Genetics (formerly Invitae), Labcorp); PubMed 16619239 (cited by Labcorp Genetics (formerly Invitae), Labcorp); PubMed 18602922 (cited by Labcorp Genetics (formerly Invitae), Labcorp); PubMed 23012243 (cited by Labcorp Genetics (formerly Invitae), Labcorp); PubMed 26110232 (cited by Labcorp Genetics (formerly Invitae), Labcorp); PubMed 26318770 (cited by Labcorp Genetics (formerly Invitae), Labcorp); PubMed 26845104 (cited by Labcorp Genetics (formerly Invitae), Labcorp); PubMed 27601186 (cited by Labcorp Genetics (formerly Invitae), Labcorp); PubMed 30702970 (cited by Ambry Genetics); PubMed 31741177 (cited by Ambry Genetics); PubMed 32885271 (cited by Ambry Genetics).

NM_000535.7(PMS2):c.2115G>C (p.Glu705Asp)

Gene: PMS2 (PMS1 homolog 2, mismatch repair system component; minus strand). Cytogenetic location: 7p22.1.
Variant type: single nucleotide variant.
Coding change: c.2115G>C on transcript NM_000535.7 (MANE Select); coding-DNA position 2115, G replaced by C.
Protein change: p.Glu705Asp; replaces glutamic acid 705 with aspartic acid.
Molecular consequence: missense variant. On other transcripts: non-coding transcript variant (1).
Genome position (GRCh38, 1-based): chr7:5,982,883, C>G on the plus strand (G>C on the coding strand, the complement: PMS2 is on the minus strand). VCF-style: chr7-5982883-C-G. GRCh37 (hg19) VCF-style: chr7-6022514-C-G.
Other names: c.1710G>C, p.Glu570Asp (NM_001322005.2, NM_001322004.2, NM_001322003.2 and 1 more transcripts); c.1959G>C, p.Glu653Asp (NM_001322006.2); c.1797G>C, p.Glu599Asp (NM_001322007.2, NM_001322008.2); c.1554G>C, p.Glu518Asp (NM_001322010.2); c.1182G>C, p.Glu394Asp (NM_001322011.2, NM_001322012.2); c.1542G>C, p.Glu514Asp (NM_001322013.2); c.2115G>C, p.Glu705Asp (NM_001322014.2); c.1806G>C, p.Glu602Asp (NM_001322015.2); short protein forms E705D, E599D, E518D, E394D, E653D, E514D, E570D, E602D.
Identifiers: ClinVar variation 573081 (VCV000573081.11), dbSNP rs1562615196, ClinGen allele CA366737966.
Genomic context (GRCh38, chr7:5,982,883, plus strand): 5'-CGCTATGAGCCTCTGCCCCTGGAGCACGGTGTGCTGCTGCAGCATCTCGAAGTTATACTT[C>G]TCGTCCGTGGCATGCTGGTCCACTATGAAGATATCCTCATTCAGTTTGGTTATTATAAAT-3'
Protein context (NP_000526.2, residues 695-715): IFIVDQHATD[Glu705Asp]KYNFEMLQQH